The following is an entry in ClinVar:

NM_054027.6(ANKH):c.887T>C (p.Ile296Thr)

Gene: ANKH (ANKH inorganic pyrophosphate transport regulator; minus strand). Cytogenetic location: 5p15.2.
Variant type: single nucleotide variant.
Coding change: c.887T>C on transcript NM_054027.6 (MANE Select); coding-DNA position 887, T replaced by C.
Protein change: p.Ile296Thr; replaces isoleucine 296 with threonine.
Molecular consequence: missense variant.
Genome position (GRCh38, 1-based): chr5:14,745,898, A>G on the plus strand (T>C on the coding strand, the complement: ANKH is on the minus strand). VCF-style: chr5-14745898-A-G. GRCh37 (hg19) VCF-style: chr5-14746007-A-G.
Other names: short protein forms I296T.
Identifiers: ClinVar variation 2998533 (VCV002998533.3), dbSNP rs770189415, ClinGen allele CA3208999.
Genomic context (GRCh38, chr5:14,745,898, plus strand): 5'-TGTTTCAGACACGACACCGCACGGGTTCTCACCTTGTCGAAAGCAGGATACACAGCACGG[A>G]TTTCCGTCAACCAGCCGTATGGCATGTGACCCACAGGGTATGTGGCTGTCAAAATCGCCA-3'
Protein context (NP_473368.1, residues 286-306): GHMPYGWLTE[Ile296Thr]RAVYPAFDKN

ClinVar aggregate classification (germline): Uncertain significance (1 of 4 stars; one submission).

Allele frequency attached by ClinVar (database versions not stated): gnomAD exomes below 0.00001; TOPMed below 0.00001; ExAC 0.00001.

Submission:

Labcorp Genetics (formerly Invitae), Labcorp
Classification: Uncertain significance. Last evaluated: 2024-07-05. Review status: criteria provided, single submitter. Criteria: Invitae Variant Classification Sherloc (09022015). Collection method: clinical testing. Allele origin: germline.
Comment: This sequence change replaces isoleucine, which is neutral and non-polar, with threonine, which is neutral and polar, at codon 296 of the ANKH protein (p.Ile296Thr). This variant is present in population databases (rs770189415, gnomAD 0.006%). This variant has not been reported in the literature in individuals affected with ANKH-related conditions. Advanced modeling of protein sequence and biophysical properties (such as structural, functional, and spatial information, amino acid conservation, physicochemical variation, residue mobility, and thermodynamic stability) performed at Invitae indicates that this missense variant is not expected to disrupt ANKH protein function with a negative predictive value of 80%. In summary, the available evidence is currently insufficient to determine the role of this variant in disease. Therefore, it has been classified as a Variant of Uncertain Significance.